The following is an entry in ClinVar:

ClinVar aggregate classification (germline): Uncertain significance (1 of 4 stars; one submission).

Allele frequency attached by ClinVar (database versions not stated): gnomAD exomes below 0.00001; TOPMed below 0.00001.
gnomAD v4.1: 2 of 1,610,676 alleles (0.00012%); no homozygotes.

Submission:

Labcorp Genetics (formerly Invitae), Labcorp
Classification: Uncertain significance. Last evaluated: 2021-08-30. Review status: criteria provided, single submitter. Criteria: Invitae Variant Classification Sherloc (09022015). Collection method: clinical testing. Allele origin: germline.
Comment: This sequence change replaces serine with arginine at codon 1011 of the PCARE protein (p.Ser1011Arg). The serine residue is highly conserved and there is a moderate physicochemical difference between serine and arginine. This variant is not present in population databases (ExAC no frequency). This variant has not been reported in the literature in individuals affected with PCARE-related conditions. Algorithms developed to predict the effect of missense changes on protein structure and function are either unavailable or do not agree on the potential impact of this missense change (SIFT: "Deleterious"; PolyPhen-2: "Probably Damaging"; Align-GVGD: "Class C0"). In summary, the available evidence is currently insufficient to determine the role of this variant in disease. Therefore, it has been classified as a Variant of Uncertain Significance.

NM_001029883.3(PCARE):c.3033C>A (p.Ser1011Arg)

Gene: PCARE (photoreceptor cilium actin regulator; minus strand). Cytogenetic location: 2p23.2.
Variant type: single nucleotide variant.
Coding change: c.3033C>A on transcript NM_001029883.3 (MANE Select); coding-DNA position 3033, C replaced by A.
Protein change: p.Ser1011Arg; replaces serine 1011 with arginine.
Molecular consequence: missense variant.
Genome position (GRCh38, 1-based): chr2:29,071,229, G>T on the plus strand (C>A on the coding strand, the complement: PCARE is on the minus strand). VCF-style: chr2-29071229-G-T. GRCh37 (hg19) VCF-style: chr2-29294095-G-T.
Other names: short protein forms S1011R.
Identifiers: ClinVar variation 972288 (VCV000972288.6), dbSNP rs1471434946, ClinGen allele CA346475934.